The following is an entry in ClinVar:

NM_001082538.3(TCTN1):c.251C>T (p.Pro84Leu)

Gene: TCTN1 (tectonic family member 1; plus strand). Cytogenetic location: 12q24.11.
Variant type: single nucleotide variant.
Coding change: c.251C>T on transcript NM_001082538.3 (MANE Select); coding-DNA position 251, C replaced by T.
Protein change: p.Pro84Leu; replaces proline 84 with leucine.
Molecular consequence: missense variant. On other transcripts: 5 prime UTR variant (1), non-coding transcript variant (1).
Genome position (GRCh38, 1-based): chr12:110,619,866, C>T. VCF-style: chr12-110619866-C-T. GRCh37 (hg19) VCF-style: chr12-111057671-C-T.
Other names: c.251C>T, p.Pro84Leu (NM_001082537.3, NM_001319680.2, NM_024549.6); c.83C>T, p.Pro28Leu (NM_001173975.3, NM_001319682.3); c.71C>T, p.Pro24Leu (NM_001173976.2); c.-457C>T (NM_001319681.2); short protein forms P24L, P28L, P84L.
Identifiers: ClinVar variation 2068155 (VCV002068155.2), dbSNP rs753313045, ClinGen allele CA6786508.
Genomic context (GRCh38, chr12:110,619,866, plus strand): 5'-TTCTGGATCCTACCCCTCTTTTTTCTGCAGTTGCTGTTCTCTGTGTCTGTGACTTATCCC[C>T]AGCACAGTGTGACATCAACTGCTGCTGTGATCCCGACTGCAGCTCCGTGGATTTCAGTGT-3'
Protein context (NP_001076007.1, residues 74-94): VAVLCVCDLS[Pro84Leu]AQCDINCCCD

ClinVar aggregate classification (germline): Uncertain significance. Review status: criteria provided, multiple submitters, no conflicts (2 of 4 stars). 2 submissions from 2 submitters: Uncertain significance (2). Last evaluated 2022-12-05.

Conditions:
Inborn genetic diseases. Identifiers: MedGen C0950123, MeSH D030342.
Joubert syndrome. Also called: CEREBELLOPARENCHYMAL DISORDER IV; JOUBERT-BOLTSHAUSER SYNDROME; Familial aplasia of the vermis. Identifiers: Orphanet 475, MedGen C5979921, MONDO:0018772.
Meckel-Gruber syndrome. Also called: DYSENCEPHALIA SPLANCHNOCYSTICA; GRUBER SYNDROME; Dysencephalia splachnocystica. Identifiers: Orphanet 564, MedGen C0265215, MONDO:0018921.

Allele frequency attached by ClinVar (database versions not stated): ExAC 0.00004; gnomAD 0.00009; TOPMed 0.00010; gnomAD exomes 0.00012.
gnomAD v4.1: 186 of 1,614,024 alleles (0.012%); highest among the groups gnomAD compares: Non-Finnish European, 0.015%; no homozygotes.

Submissions (2):

Ambry Genetics
Classification: Uncertain significance for Inborn genetic diseases. Last evaluated: 2022-12-05. Review status: criteria provided, single submitter. Criteria: Ambry Variant Classification Scheme 2023. Collection method: clinical testing. Allele origin: germline.

Labcorp Genetics (formerly Invitae), Labcorp
Classification: Uncertain significance for Joubert syndrome; Meckel-Gruber syndrome. Last evaluated: 2022-09-19. Review status: criteria provided, single submitter. Criteria: Invitae Variant Classification Sherloc (09022015). Collection method: clinical testing. Allele origin: germline.
Comment: This sequence change replaces proline, which is neutral and non-polar, with leucine, which is neutral and non-polar, at codon 84 of the TCTN1 protein (p.Pro84Leu). This variant is present in population databases (rs753313045, gnomAD 0.02%). This variant has not been reported in the literature in individuals affected with TCTN1-related conditions. Advanced modeling of protein sequence and biophysical properties (such as structural, functional, and spatial information, amino acid conservation, physicochemical variation, residue mobility, and thermodynamic stability) performed at Invitae indicates that this missense variant is expected to disrupt TCTN1 protein function. In summary, the available evidence is currently insufficient to determine the role of this variant in disease. Therefore, it has been classified as a Variant of Uncertain Significance.